The following is an entry in ClinVar:

NM_172250.3(MMAA):c.362T>C (p.Val121Ala)

Gene: MMAA (metabolism of cobalamin associated A; plus strand). Cytogenetic location: 4q31.21.
Variant type: single nucleotide variant.
Coding change: c.362T>C on transcript NM_172250.3 (MANE Select); coding-DNA position 362, T replaced by C.
Protein change: p.Val121Ala; replaces valine 121 with alanine.
Molecular consequence: missense variant.
Genome position (GRCh38, 1-based): chr4:145,639,501, T>C. VCF-style: chr4-145639501-T-C. GRCh37 (hg19) VCF-style: chr4-146560653-T-C.
Other names: c.362T>C, p.Val121Ala (NM_001375644.1); short protein forms V121A.
Identifiers: ClinVar variation 2843794 (VCV002843794.3), dbSNP rs2546335859, ClinGen allele CA358353048.

ClinVar aggregate classification (germline): Uncertain significance (1 of 4 stars; one submission).

Conditions:
Methylmalonic aciduria, cblA type (MACA). Also called: Methylmalonic aciduria, vitamin b12-responsive, due to defect in synthesis of adenosylcobalamin, cbla complementation type; MMA cbl A type; Methylmalonic acidemia cblA type; Methylmalonic aciduria, vitamin B12-responsive; Vitamin B12-responsive methylmalonic acidemia type cblA. Identifiers: Orphanet 28, Orphanet 79310, MedGen C1855109, MONDO:0009613, OMIM 251100.

Submission:

Labcorp Genetics (formerly Invitae), Labcorp
Classification: Uncertain significance for Methylmalonic aciduria, cblA type. Last evaluated: 2023-03-08. Review status: criteria provided, single submitter. Criteria: Invitae Variant Classification Sherloc (09022015). Collection method: clinical testing. Allele origin: germline.
Comment: This sequence change replaces valine, which is neutral and non-polar, with alanine, which is neutral and non-polar, at codon 121 of the MMAA protein (p.Val121Ala). This variant is not present in population databases (gnomAD no frequency). This variant has not been reported in the literature in individuals affected with MMAA-related conditions. Advanced modeling of protein sequence and biophysical properties (such as structural, functional, and spatial information, amino acid conservation, physicochemical variation, residue mobility, and thermodynamic stability) performed at Invitae indicates that this missense variant is not expected to disrupt MMAA protein function. In summary, the available evidence is currently insufficient to determine the role of this variant in disease. Therefore, it has been classified as a Variant of Uncertain Significance.